The following is an entry in ClinVar:

ClinVar aggregate classification (germline): Uncertain significance (1 of 4 stars; one submission).

gnomAD v4.1: 1 of 1,524,332 alleles (0.000066%); highest among the groups gnomAD compares: Non-Finnish European, 0.000088%; no homozygotes.

Submission:

GeneDx
Classification: Uncertain significance. Last evaluated: 2019-05-15. Review status: criteria provided, single submitter. Criteria: GeneDx Variant Classification Process June 2021. Collection method: clinical testing. Allele origin: germline. Affected: yes.
Comment: Not observed in large population cohorts (Lek et al., 2016); In silico analysis, which includes protein predictors and evolutionary conservation, supports a deleterious effect; Has not been previously published as pathogenic or benign to our knowledge

NM_001129.5(AEBP1):c.1418C>T (p.Thr473Ile)

Gene: AEBP1 (AE binding protein 1; plus strand). Cytogenetic location: 7p13.
Variant type: single nucleotide variant.
Coding change: c.1418C>T on transcript NM_001129.5 (MANE Select); coding-DNA position 1418, C replaced by T.
Protein change: p.Thr473Ile; replaces threonine 473 with isoleucine.
Molecular consequence: missense variant.
Genome position (GRCh38, 1-based): chr7:44,110,742, C>T. VCF-style: chr7-44110742-C-T. GRCh37 (hg19) VCF-style: chr7-44150341-C-T.
Other names: short protein forms T473I.
Identifiers: ClinVar variation 1305878 (VCV001305878.2), dbSNP rs139397017, ClinGen allele CA367363932.